The following is an entry in ClinVar:

NM_005228.5(EGFR):c.2088A>G (p.Gly696=)

Gene: EGFR (epidermal growth factor receptor; plus strand). Cytogenetic location: 7p11.2.
Variant type: single nucleotide variant.
Coding change: c.2088A>G on transcript NM_005228.5 (MANE Select); coding-DNA position 2088, A replaced by G.
Protein change: p.Gly696=; no amino-acid change (glycine 696 retained).
Molecular consequence: synonymous variant.
Genome position (GRCh38, 1-based): chr7:55,173,947, A>G. VCF-style: chr7-55173947-A-G. GRCh37 (hg19) VCF-style: chr7-55241640-A-G.
Other names: c.1953A>G, p.Gly651= (NM_001346897.2, NM_001346899.2); c.2088A>G, p.Gly696= (NM_001346898.2); c.1929A>G, p.Gly643= (NM_001346900.2); c.1287A>G, p.Gly429= (NM_001346941.2); c.2088A>G (NM_005228.3).
Identifiers: ClinVar variation 1671969 (VCV001671969.10), dbSNP rs2128953547, ClinGen allele CA454979132.

ClinVar aggregate classification (germline): Benign/Likely benign. Review status: criteria provided, multiple submitters, no conflicts (2 of 4 stars). 3 submissions from 3 submitters: Benign (1); Likely benign (2). Last evaluated 2026-02-08.

Conditions:
Lung cancer. Also called: Lung cancer, somatic; Malignant tumor of lung. Identifiers: MedGen C0242379, MONDO:0008903, OMIM 211980.
Hereditary cancer-predisposing syndrome. Also called: Tumor predisposition; Hereditary Cancer Syndrome; Hereditary neoplastic syndrome; Neoplastic Syndromes, Hereditary. Identifiers: Orphanet 140162, MedGen C0027672, MeSH D009386, MONDO:0015356.
EGFR-related lung cancer (EGFR). Identifiers: MedGen CN130014.

Allele frequency attached by ClinVar (database versions not stated): gnomAD exomes below 0.00001.
gnomAD v4.1: 1 of 1,614,238 alleles (0.000062%); highest among the groups gnomAD compares: Non-Finnish European, 0.000085%; no homozygotes.

Submissions (3):

Ambry Genetics
Classification: Likely benign for Hereditary cancer-predisposing syndrome. Last evaluated: 2026-02-08. Review status: criteria provided, single submitter. Criteria: Ambry Variant Classification Scheme 2023. Collection method: clinical testing. Allele origin: germline.

Myriad Genetics, Inc.
Classification: Benign for Lung cancer. Last evaluated: 2024-10-16. Review status: criteria provided, single submitter. Criteria: Myriad Autosomal Dominant, Autosomal Recessive and X-Linked Classification Criteria (2023). Collection method: clinical testing. Allele origin: unknown.
Comment: This variant is considered benign. This variant is a silent/synonymous amino acid change and it is not expected to impact splicing.

Labcorp Genetics (formerly Invitae), Labcorp
Classification: Likely benign for EGFR-related lung cancer. Last evaluated: 2021-07-08. Review status: criteria provided, single submitter. Criteria: Invitae Variant Classification Sherloc (09022015). Collection method: clinical testing. Allele origin: germline.